The following is an entry in ClinVar:

ClinVar aggregate classification (germline): Uncertain significance. Review status: criteria provided, multiple submitters, no conflicts (2 of 4 stars). 2 submissions from 2 submitters: Uncertain significance (2). Last evaluated 2024-03-20.

Conditions:
Cardiovascular phenotype. Identifiers: MedGen CN230736.

Allele frequency attached by ClinVar (database versions not stated): gnomAD exomes 0.00001; TOPMed 0.00001.
gnomAD v4.1: 3 of 1,614,126 alleles (0.00019%); highest among the groups gnomAD compares: Admixed American, 0.0033%; no homozygotes.

Submissions (2):

Ambry Genetics
Classification: Uncertain significance for Cardiovascular phenotype. Last evaluated: 2024-03-20. Review status: criteria provided, single submitter. Criteria: Ambry Variant Classification Scheme 2023. Collection method: clinical testing. Allele origin: germline.
Comment: The p.F627S variant (also known as c.1880T>C), located in coding exon 14 of the TRPM4 gene, results from a T to C substitution at nucleotide position 1880. The phenylalanine at codon 627 is replaced by serine, an amino acid with highly dissimilar properties. This amino acid position is conserved. In addition, this alteration is predicted to be deleterious by in silico analysis. Based on the available evidence, the clinical significance of this alteration remains unclear.

GeneDx
Classification: Uncertain significance. Last evaluated: 2022-05-11. Review status: criteria provided, single submitter. Criteria: GeneDx Variant Classification Process June 2021. Collection method: clinical testing. Allele origin: germline. Affected: yes.
Comment: Has not been previously published as pathogenic or benign to our knowledge; Not observed at significant frequency in large population cohorts (gnomAD); In silico analysis supports that this missense variant has a deleterious effect on protein structure/function

NM_017636.4(TRPM4):c.1880T>C (p.Phe627Ser)

Gene: TRPM4 (transient receptor potential cation channel subfamily M member 4; plus strand). Cytogenetic location: 19q13.33.
Variant type: single nucleotide variant.
Coding change: c.1880T>C on transcript NM_017636.4 (MANE Select); coding-DNA position 1880, T replaced by C.
Protein change: p.Phe627Ser; replaces phenylalanine 627 with serine.
Molecular consequence: missense variant.
Genome position (GRCh38, 1-based): chr19:49,188,952, T>C. VCF-style: chr19-49188952-T-C. GRCh37 (hg19) VCF-style: chr19-49692209-T-C.
Other names: c.1880T>C, p.Phe627Ser (NM_001195227.2); c.1535T>C, p.Phe512Ser (NM_001321281.2); c.272T>C, p.Phe91Ser (NM_001321282.2); c.1358T>C, p.Phe453Ser (NM_001321283.2); c.818T>C, p.Phe273Ser (NM_001321285.2); short protein forms F273S, F453S, F512S, F627S, F91S.
Identifiers: ClinVar variation 1723766 (VCV001723766.4), dbSNP rs991572485, ClinGen allele CA309446991.